The following is an entry in ClinVar:

ClinVar aggregate classification (germline): Pathogenic (1 of 4 stars; one submission).

Conditions:
DICER1-related tumor predisposition. Also called: DICER1 syndrome; DICER1-related pleuropulmonary blastoma cancer predisposition syndrome. Identifiers: Orphanet 284343, MedGen C3839822, MONDO:0100216.

Submission:

Myriad Genetics, Inc.
Classification: Pathogenic for DICER1-related tumor predisposition. Last evaluated: 2026-05-12. Review status: criteria provided, single submitter. Criteria: Myriad Autosomal Dominant, Autosomal Recessive and X-Linked Classification Criteria (2023). Collection method: clinical testing. Allele origin: unknown.
Comment: This variant is considered pathogenic. This variant creates a frameshift predicted to result in premature protein truncation.

NM_177438.3(DICER1):c.3982dup (p.Thr1328fs)

Gene: DICER1 (dicer 1, ribonuclease III; minus strand). Cytogenetic location: 14q32.13.
Variant type: Duplication.
Coding change: c.3982dup on transcript NM_177438.3 (MANE Select); coding-DNA position 3982, one base duplicated (A; older notation c.3982dupA).
Protein change: p.Thr1328fs; shifts the reading frame from threonine 1328.
Molecular consequence: frameshift variant. On other transcripts: non-coding transcript variant (6).
Genome position (GRCh38, 1-based): chr14:95,103,414, T duplicated on the plus strand (A on the coding strand, the reverse complement: DICER1 is on the minus strand). VCF-style (leftmost placement, unchanged base first): chr14-95103413-G-GT. GRCh37 (hg19) VCF-style: chr14-95569750-G-GT.
Other names: c.2299dup, p.Thr767fs (NM_001395697.1); c.3982dup, p.Thr1328fs (NM_030621.4, NM_001195573.1, NM_001271282.3 and 12 more transcripts); c.3700dup, p.Thr1234fs (NM_001395686.1); c.3577dup, p.Thr1193fs (NM_001395687.1, NM_001395688.1, NM_001395689.1 and 2 more transcripts); c.3415dup, p.Thr1139fs (NM_001395691.1); short protein forms T1139fs, T1193fs, T1234fs, T1328fs, T767fs.
Identifiers: ClinVar variation 4876041 (VCV004876041.1).